The following is an entry in ClinVar:

ClinVar aggregate classification (germline): Benign/Likely benign. Review status: criteria provided, multiple submitters, no conflicts (2 of 4 stars). 4 submissions from 4 submitters: Benign (1); Likely benign (1). 2 of the submissions do not count toward it. Last evaluated 2023-04-20.

Conditions:
CIC-rearranged sarcoma. Also called: CIC-DUX Sarcoma. Identifiers: MedGen C3899764, MONDO:0956989.
46,XY disorder of sex development due to testicular 17,20-desmolase deficiency. Also called: 46,XY SEX REVERSAL 8; MALE PSEUDOHERMAPHRODITISM DUE TO DEFICIENCY OF TESTICULAR 17,20-DESMOLASE; 46,XY SEX REVERSAL 8, MODIFIER OF. Identifiers: Orphanet 443087, MedGen C1839840, MONDO:0013664, OMIM 614279.
AKR1C2-related disorder. Also called: AKR1C2-related condition.

Allele frequency attached by ClinVar (database versions not stated): ExAC 0.00014; ESP Exome Variant Server 0.00023; gnomAD exomes 0.00024 and 0.00103; gnomAD 0.01780 and 0.01890; 1000 Genomes Project 30x 0.02998.
gnomAD v4.1: 4,190 of 1,596,910 alleles (0.26%); highest among the groups gnomAD compares: African/African-American, 4.5%; 85 homozygotes.

Submissions (4):

Department of Pathology and Laboratory Medicine, Sinai Health System
Classification: Likely benign for 46,XY disorder of sex development due to testicular 17,20-desmolase deficiency. Last evaluated: 2023-04-20. Review status: criteria provided, single submitter. Criteria: ACMG Guidelines, 2015. Collection method: research. Allele origin: germline.

Mendelics
Classification: Benign. Last evaluated: 2022-05-04. Review status: criteria provided, single submitter. Criteria: Mendelics Assertion Criteria 2019. Collection method: clinical testing. Allele origin: germline.

PreventionGenetics, part of Exact Sciences
Classification: Likely benign for AKR1C2-related condition. Last evaluated: 2023-04-05. Review status: no assertion criteria provided. Collection method: clinical testing. Allele origin: germline. Not counted in ClinVar's aggregate classification.
Comment: This variant is classified as likely benign based on ACMG/AMP sequence variant interpretation guidelines (Richards et al. 2015 PMID: 25741868, with internal and published modifications).

Children's Cancer Therapy Development Institute
Classification: Pathogenic for CIC-DUX Sarcoma. Review status: no assertion criteria provided. Collection method: literature only. Allele origin: somatic. Affected: yes. Not counted in ClinVar's aggregate classification.

Literature cited by the submitters: PubMed 21802064 (cited by Children's Cancer Therapy Development Institute).

NM_001393392.1(AKR1C2):c.666T>C (p.His222=)

Genes: AKR1C2 (aldo-keto reductase family 1 member C2; minus strand), LOC101928051 (uncharacterized LOC101928051; plus strand). Cytogenetic location: 10p15.1.
Variant type: single nucleotide variant.
Coding change: c.666T>C on transcript NM_001393392.1 (MANE Select); coding-DNA position 666, T replaced by C.
Protein change: p.His222=; no amino-acid change (histidine 222 retained).
Molecular consequence: synonymous variant.
Genome position (GRCh38, 1-based): chr10:4,995,770, A>G on the plus strand (T>C on the coding strand, the complement: AKR1C2 is on the minus strand). VCF-style: chr10-4995770-A-G. GRCh37 (hg19) VCF-style: chr10-5037962-A-G.
Other names: c.588T>C, p.His196= (NM_001321027.2); c.666T>C, p.His222= (NM_001354.6, NM_205845.3); c.666T>C (NM_001354.5).
Identifiers: ClinVar variation 805966 (VCV000805966.7), dbSNP rs13222, ClinGen allele CA5389996.